The following is an entry in ClinVar:

ClinVar aggregate classification (germline): Pathogenic (1 of 4 stars; one submission).

Conditions:
Long QT syndrome (LQTS). Identifiers: MedGen C0023976, MeSH D008133, MONDO:0002442. Disease mechanism: loss of function. Inheritance: Various modes of inheritance.

Submission:

Labcorp Genetics (formerly Invitae), Labcorp
Classification: Pathogenic for Long QT syndrome. Last evaluated: 2018-07-05. Review status: criteria provided, single submitter. Criteria: Invitae Variant Classification Sherloc (09022015). Collection method: clinical testing. Allele origin: germline.
Comment: This variant is an out-of-frame deletion of the genomic region encompassing exon 2 of the KCNQ1 gene. This is expected to create a premature translational stop signal and result in an absent or disrupted protein product. This variant has not been reported in the literature in individuals with KCNQ1-related disease. Loss-of-function variants in KCNQ1 are known to be pathogenic (PMID: 9323054, 19862833). For these reasons, this variant has been classified as Pathogenic.

NC_000011.10:g.(?_2527908)_(2528038_?)del

Gene: KCNQ1 (potassium voltage-gated channel subfamily Q member 1; plus strand). Cytogenetic location: 11p15.5.
Variant type: Deletion.
Identifiers: ClinVar variation 527122 (VCV000527122.2).